The following is an entry in ClinVar:

NC_000007.13:g.(?_81964431)_(82072775_?)dup

Gene: CACNA2D1 (calcium voltage-gated channel auxiliary subunit alpha2delta 1; minus strand). Cytogenetic location: 7q21.11.
Variant type: Duplication.
Identifiers: ClinVar variation 3245741 (VCV003245741.1).

ClinVar aggregate classification (germline): Uncertain significance (1 of 4 stars; one submission).

Conditions:
Brugada syndrome. Also called: Sudden unexpected nocturnal death syndrome; Sudden Unexplained Death Syndrome; Sudden Unexplained Nocturnal Death Syndrome (SUNDS); Sudden unexplained nocturnal death syndrome. Identifiers: Orphanet 130, MedGen C1142166, MONDO:0015263.

Submission:

Labcorp Genetics (formerly Invitae), Labcorp
Classification: Uncertain significance for Brugada syndrome. Last evaluated: 2023-07-17. Review status: criteria provided, single submitter. Criteria: Invitae Variant Classification Sherloc (09022015). Collection method: clinical testing. Allele origin: unknown.
Comment: This variant results in a copy number gain of the genomic region encompassing exon(s) 1-3 of the CACNA2D1 gene. This region includes the initiator codon of the gene. This copy number gain extends beyond the assayed region for this gene and therefore may encompass additional genes. As the precise location of this event is unknown, it may be in tandem or it may be located elsewhere in the genome. This variant has not been reported in the literature in individuals affected with CACNA2D1-related conditions. Experimental studies and prediction algorithms are not available or were not evaluated, and the functional significance of this variant is currently unknown. In summary, the available evidence is currently insufficient to determine the role of this variant in disease. Therefore, it has been classified as a Variant of Uncertain Significance.